The following is an entry in ClinVar:

ClinVar aggregate classification (germline): Benign. Review status: criteria provided, multiple submitters, no conflicts (2 of 4 stars). 3 submissions from 3 submitters: Benign (2). 1 of the submissions does not count toward it. Last evaluated 2026-09-01.

Conditions:
Wilson disease (WND). Also called: Wilson's disease. Identifiers: Orphanet 905, MedGen C0019202, MONDO:0010200, OMIM 277900. Disease mechanism: loss of function.

Allele frequency attached by ClinVar (database versions not stated): 1000 Genomes Project 30x 0.00219; 1000 Genomes Project 0.00220; TOPMed 0.00398.
gnomAD v4.1: 795 of 152,358 alleles (0.52%); highest among the groups gnomAD compares: Non-Finnish European, 0.6%; 3 homozygotes.

Submissions (3):

CeGaT Center for Human Genetics Tuebingen
Classification: Benign. Last evaluated: 2026-09-01. Review status: criteria provided, single submitter. Criteria: CeGaT Center For Human Genetics Tuebingen Variant Classification Criteria Version 2. Collection method: clinical testing. Allele origin: germline. Affected: yes. Observed: 53 variant alleles.
Comment: ATP7B: BS1, BS2

ARUP Laboratories, Molecular Genetics and Genomics, ARUP Laboratories
Classification: Benign. Last evaluated: 2019-12-12. Review status: criteria provided, single submitter. Criteria: ARUP Molecular Germline Variant Investigation Process. Collection method: clinical testing. Allele origin: germline.

Natera, Inc.
Classification: Likely benign for Wilson disease. Last evaluated: 2019-09-09. Review status: no assertion criteria provided. Collection method: clinical testing. Allele origin: germline. Not counted in ClinVar's aggregate classification.

NC_000013.11:g.52011733G>C

Genes: ATP7B (ATPase copper transporting beta; minus strand), LOC130009838 (ATAC-STARR-seq lymphoblastoid silent region 5378; plus strand). Cytogenetic location: 13q14.3.
Variant type: single nucleotide variant.
Genome position: GRCh38 VCF-style: chr13-52011733-G-C. GRCh37 (hg19) VCF-style: chr13-52585869-G-C.
Other names: c.-396C>G (NM_000053.4).
Identifiers: ClinVar variation 811709 (VCV000811709.41), dbSNP rs145371060, ClinGen allele CA250092345.
Genomic context (GRCh38, chr13:52,011,733, plus strand): 5'-CCGCCGGTGCCACAGTGTTCTCTGCCGTGCCAGTGCCACAATGTCCTCTGCCGTGCCGGC[G>C]CCGCAGGGCGGAGGCCTGTCCTCCTCCGCGGTCTCGGCCACCTCGCGCTGGTGCGCTCCG-3'